The following is an entry in ClinVar:

NM_000081.4(LYST):c.9413G>A (p.Gly3138Glu)

Gene: LYST (lysosomal trafficking regulator; minus strand). Cytogenetic location: 1q42.3.
Variant type: single nucleotide variant.
Coding change: c.9413G>A on transcript NM_000081.4 (MANE Select); coding-DNA position 9413, G replaced by A.
Protein change: p.Gly3138Glu; replaces glycine 3138 with glutamic acid.
Molecular consequence: missense variant.
Genome position (GRCh38, 1-based): chr1:235,720,808, C>T on the plus strand (G>A on the coding strand, the complement: LYST is on the minus strand). VCF-style: chr1-235720808-C-T. GRCh37 (hg19) VCF-style: chr1-235884108-C-T.
Other names: c.9413G>A, p.Gly3138Glu (NM_001301365.1); short protein forms G3138E.
Identifiers: ClinVar variation 1036573 (VCV001036573.3), dbSNP rs752644083, ClinGen allele CA1465592.

ClinVar aggregate classification (germline): Uncertain significance. Review status: criteria provided, multiple submitters, no conflicts (2 of 4 stars). 2 submissions from 2 submitters: Uncertain significance (2). Last evaluated 2024-08-14.

Conditions:
Chédiak-Higashi syndrome (CHS). Also called: Chediak-Higashi Syndrome. Identifiers: Orphanet 167, MedGen C0007965, MONDO:0008963, OMIM 214500.

Allele frequency attached by ClinVar (database versions not stated): ExAC 0.00001; gnomAD 0.00001; gnomAD exomes 0.00002; TOPMed 0.00002.
gnomAD v4.1: 16 of 1,613,838 alleles (0.00099%); highest among the groups gnomAD compares: Non-Finnish European, 0.0013%; no homozygotes.

Submissions (2):

Blueprint Genetics
Classification: Uncertain significance. Last evaluated: 2024-08-14. Review status: criteria provided, single submitter. Criteria: ACMG Guidelines, 2015. Collection method: clinical testing. Allele origin: germline.

Labcorp Genetics (formerly Invitae), Labcorp
Classification: Uncertain significance for Chédiak-Higashi syndrome. Last evaluated: 2021-08-31. Review status: criteria provided, single submitter. Criteria: Invitae Variant Classification Sherloc (09022015). Collection method: clinical testing. Allele origin: germline.
Comment: This sequence change replaces glycine with glutamic acid at codon 3138 of the LYST protein (p.Gly3138Glu). The glycine residue is highly conserved and there is a moderate physicochemical difference between glycine and glutamic acid. This variant is present in population databases (rs752644083, ExAC 0.001%). This variant has not been reported in the literature in individuals affected with LYST-related conditions. Algorithms developed to predict the effect of missense changes on protein structure and function are either unavailable or do not agree on the potential impact of this missense change (SIFT: "Deleterious"; PolyPhen-2: "Possibly Damaging"; Align-GVGD: "Class C0"). In summary, the available evidence is currently insufficient to determine the role of this variant in disease. Therefore, it has been classified as a Variant of Uncertain Significance.